The following is an entry in ClinVar:

NM_000127.3(EXT1):c.1439dup (p.Thr481fs)

Gene: EXT1 (exostosin glycosyltransferase 1; minus strand). Cytogenetic location: 8q24.11.
Variant type: Duplication.
Coding change: c.1439dup on transcript NM_000127.3 (MANE Select); coding-DNA position 1439, one base duplicated (T; older notation c.1439dupT).
Protein change: p.Thr481fs; shifts the reading frame from threonine 481.
Molecular consequence: frameshift variant.
Genome position (GRCh38, 1-based): chr8:117,819,773, A duplicated on the plus strand (T on the coding strand, the reverse complement: EXT1 is on the minus strand); the first of 2 consecutive A bases (chr8:117,819,773-117,819,774); duplicating either gives the same sequence. VCF-style (leftmost placement, unchanged base first): chr8-117819772-G-GA. GRCh37 (hg19) VCF-style: chr8-118832011-G-GA.
Other names: short protein forms T481fs.
Identifiers: ClinVar variation 3657685 (VCV003657685.2).
Genomic context (GRCh38, chr8:117,819,772, plus strand): 5'-AAGCTTCAACACTGGCTGGGACTGAGAGACCAGGGGGGTCACCGCATGGATGACTGCAGT[G>GA]AATTTGGAGGGGGGCTTTAAACCTGAAATAAAAAGGAGAGTAGAGCCTAATGAAGCGCTG-3'

ClinVar aggregate classification (germline): Pathogenic (1 of 4 stars; one submission).

Conditions:
Multiple congenital exostosis (EXT). Also called: Hereditary multiple osteochondromas; MULTIPLE CARTILAGINOUS EXOSTOSES; Hereditary multiple exostoses; Hereditary multiple exostosis; Multiple osteochondromas; Multiple exostoses. Identifiers: Orphanet 321, MedGen C0015306, MONDO:0005508, HP:0002762.

Submission:

Labcorp Genetics (formerly Invitae), Labcorp
Classification: Pathogenic for Multiple congenital exostosis. Last evaluated: 2024-06-24. Review status: criteria provided, single submitter. Criteria: Invitae Variant Classification Sherloc (09022015). Collection method: clinical testing. Allele origin: germline.
Comment: This sequence change creates a premature translational stop signal (p.Thr481Hisfs*40) in the EXT1 gene. It is expected to result in an absent or disrupted protein product. Loss-of-function variants in EXT1 are known to be pathogenic (PMID: 10679937, 11391482, 19810120). This variant is not present in population databases (gnomAD no frequency). This variant has not been reported in the literature in individuals affected with EXT1-related conditions. For these reasons, this variant has been classified as Pathogenic.

Literature cited by the submitters: PubMed 10679937; PubMed 11391482; PubMed 19810120.